The following is an entry in ClinVar:

NC_000003.11:g.(?_52443710)_(52443894_?)del

Gene: BAP1 (BRCA1 associated deubiquitinase 1; minus strand). Cytogenetic location: 3p21.1.
Variant type: Deletion.
Identifiers: ClinVar variation 3246918 (VCV003246918.1).

ClinVar aggregate classification (germline): Pathogenic (1 of 4 stars; one submission).

Conditions:
BAP1-related tumor predisposition syndrome (TPDS1). Also called: BAP1 tumor predisposition syndrome; COMMON Syndrome; TUMOR PREDISPOSITION SYNDROME 1; Tumor susceptibility linked to germline BAP1 mutations. Identifiers: Orphanet 289539, MedGen C3280492, MONDO:0013692, OMIM 614327.

Submission:

Labcorp Genetics (formerly Invitae), Labcorp
Classification: Pathogenic for BAP1-related tumor predisposition syndrome. Last evaluated: 2023-12-17. Review status: criteria provided, single submitter. Criteria: Invitae Variant Classification Sherloc (09022015). Collection method: clinical testing. Allele origin: unknown.
Comment: This variant is a gross deletion of the genomic region encompassing exon(s) 1-2 of the BAP1 gene, which includes the initiator codon. This deletion extends beyond the assayed region for this gene and therefore may encompass additional genes. It is expected to result in an absent or disrupted protein product. Loss-of-function variants in BAP1 are known to be pathogenic (PMID: 21874000, 23684012). This variant has not been reported in the literature in individuals affected with BAP1-related conditions. For these reasons, this variant has been classified as Pathogenic.

Literature cited by the submitters: PubMed 21874000; PubMed 23684012.